The following is an entry in ClinVar:

ClinVar aggregate classification (germline): Conflicting classifications of pathogenicity. Review status: criteria provided, conflicting classifications (1 of 4 stars). 4 submissions from 4 submitters: Pathogenic (1); Likely pathogenic (1); Uncertain significance (1). 1 of the submissions does not count toward it. Last evaluated 2024-01-05.

Conditions:
Seizure. Also called: Seizures. Identifiers: MedGen C0036572, HP:0001250.
Developmental and epileptic encephalopathy, 32 (DEE32). Also called: Epileptic encephalopathy, early infantile, 32. Identifiers: Orphanet 442835, MedGen C4225350, MONDO:0014607, OMIM 616366.

Allele frequency attached by ClinVar (database versions not stated): gnomAD exomes below 0.00001; ExAC 0.00001.
gnomAD v4.1: 3 of 1,614,148 alleles (0.00019%); highest among the groups gnomAD compares: African/African-American, 0.0013%; no homozygotes.

Submissions (4):

Cytogénomique, Hospices Civils de Lyon
Classification: Likely pathogenic for Seizures. Last evaluated: 2024-01-05. Review status: criteria provided, single submitter. Criteria: ACMG Guidelines, 2015. Collection method: clinical testing. Allele origin: maternal. Affected: yes. Observed: 1 variant allele, 1 compound heterozygote.

Laboratorio de Genetica e Diagnostico Molecular, Hospital Israelita Albert Einstein
Classification: Uncertain significance for Developmental and epileptic encephalopathy, 32. Last evaluated: 2023-04-24. Review status: criteria provided, single submitter. Criteria: ACMG Guidelines, 2015. Collection method: clinical testing. Allele origin: germline. Affected: yes.
Comment: ACMG classification criteria: PVS1 strong, PM2 supporting

Labcorp Genetics (formerly Invitae), Labcorp
Classification: Pathogenic for Developmental and epileptic encephalopathy, 32. Last evaluated: 2022-07-05. Review status: criteria provided, single submitter. Criteria: Invitae Variant Classification Sherloc (09022015). Collection method: clinical testing. Allele origin: germline.
Comment: For these reasons, this variant has been classified as Pathogenic. ClinVar contains an entry for this variant (Variation ID: 476049). This premature translational stop signal has been observed in individuals with autosomal recessive KCNA2-related epilepsy (PMID: 27457812; Invitae). It has also been observed to segregate with disease in related individuals. This variant is present in population databases (rs763353895, gnomAD 0.007%). This sequence change creates a premature translational stop signal (p.Arg65*) in the KCNA2 gene. While this is not anticipated to result in nonsense mediated decay, it is expected to disrupt the last 435 amino acid(s) of the KCNA2 protein.

Fulgent Genetics
Classification: Uncertain significance for Developmental and epileptic encephalopathy, 32. Last evaluated: 2018-10-31. Review status: flagged submission. Criteria: ACMG Guidelines, 2015. Collection method: clinical testing. Allele origin: unknown. Not counted in ClinVar's aggregate classification.
ClinVar note: Reason: Older claim that does not account for recent evidence

Literature cited by the submitters: PubMed 27457812 (cited by Labcorp Genetics (formerly Invitae), Labcorp).

NM_004974.4(KCNA2):c.193C>T (p.Arg65Ter)

Gene: KCNA2 (potassium voltage-gated channel subfamily A member 2; minus strand). Cytogenetic location: 1p13.3.
Variant type: single nucleotide variant.
Coding change: c.193C>T on transcript NM_004974.4 (MANE Select); coding-DNA position 193, C replaced by T.
Protein change: p.Arg65Ter; replaces arginine 65 with a stop codon.
Molecular consequence: nonsense.
Genome position (GRCh38, 1-based): chr1:110,604,590, G>A on the plus strand (C>T on the coding strand, the complement: KCNA2 is on the minus strand). VCF-style: chr1-110604590-G-A. GRCh37 (hg19) VCF-style: chr1-111147212-G-A.
Other names: c.193C>T, p.Arg65Ter (NM_001204269.2); short protein forms R65*.
Identifiers: ClinVar variation 476049 (VCV000476049.15), dbSNP rs763353895, ClinGen allele CA1000750.